The following is an entry in ClinVar:

NM_004360.5(CDH1):c.1892C>T (p.Thr631Ile)

Gene: CDH1 (cadherin 1; plus strand). Cytogenetic location: 16q22.1.
Variant type: single nucleotide variant.
Coding change: c.1892C>T on transcript NM_004360.5 (MANE Select); coding-DNA position 1892, C replaced by T.
Protein change: p.Thr631Ile; replaces threonine 631 with isoleucine.
Molecular consequence: missense variant. On other transcripts: 5 prime UTR variant (1).
Genome position (GRCh38, 1-based): chr16:68,822,181, C>T. VCF-style: chr16-68822181-C-T. GRCh37 (hg19) VCF-style: chr16-68856084-C-T.
Other names: c.1709C>T, p.Thr570Ile (NM_001317184.2); c.344C>T, p.Thr115Ile (NM_001317185.2); c.-74C>T (NM_001317186.2); short protein forms T115I, T570I, T631I.
Identifiers: ClinVar variation 1331991 (VCV001331991.5), dbSNP rs2152138539, ClinGen allele CA396467157.

ClinVar aggregate classification (germline): Uncertain significance. Review status: criteria provided, multiple submitters, no conflicts (2 of 4 stars). 2 submissions from 2 submitters: Uncertain significance (2). Last evaluated 2026-01-01.

Conditions:
Hereditary cancer-predisposing syndrome. Also called: Tumor predisposition; Hereditary Cancer Syndrome; Neoplastic Syndromes, Hereditary; Hereditary neoplastic syndrome. Identifiers: Orphanet 140162, MedGen C0027672, MeSH D009386, MONDO:0015356.

gnomAD v4.1: 2 of 1,614,152 alleles (0.00012%); highest among the groups gnomAD compares: South Asian, 0.0011%; no homozygotes.

Submissions (2):

Women's Health and Genetics/Laboratory Corporation of America, LabCorp
Classification: Uncertain significance. Last evaluated: 2026-01-01. Review status: criteria provided, single submitter. Criteria: LabCorp Variant Classification Summary - May 2015. Collection method: clinical testing. Allele origin: germline.

Color Diagnostics, LLC DBA Color Health
Classification: Uncertain significance for Hereditary cancer-predisposing syndrome. Last evaluated: 2023-12-04. Review status: criteria provided, single submitter. Criteria: ACMG Guidelines, 2015. Collection method: clinical testing. Allele origin: germline.
Comment: This missense variant replaces threonine with isoleucine at codon 631 of the CDH1 protein. To our knowledge, functional studies have not been reported for this variant. This variant has not been reported in individuals affected with hereditary cancer in the literature. This variant has not been identified in the general population by the Genome Aggregation Database (gnomAD). The available evidence is insufficient to determine the role of this variant in disease conclusively. Therefore, this variant is classified as a Variant of Uncertain Significance.